The following is an entry in ClinVar:

ClinVar aggregate classification (germline): Uncertain significance (1 of 4 stars; one submission).

Conditions:
Dilated cardiomyopathy 1JJ (CMD1JJ). Identifiers: Orphanet 154, MedGen C3808935, MONDO:0014095, OMIM 615235.

gnomAD v4.1: 3 of 1,613,904 alleles (0.00019%); highest among the groups gnomAD compares: African/African-American, 0.0013%; no homozygotes.

Submission:

Labcorp Genetics (formerly Invitae), Labcorp
Classification: Uncertain significance for Dilated cardiomyopathy 1JJ. Last evaluated: 2024-08-15. Review status: criteria provided, single submitter. Criteria: Invitae Variant Classification Sherloc (09022015). Collection method: clinical testing. Allele origin: germline.
Comment: This sequence change falls in intron 21 of the LAMA4 gene. It does not directly change the encoded amino acid sequence of the LAMA4 protein. It affects a nucleotide within the consensus splice site. This variant is not present in population databases (gnomAD no frequency). This variant has not been reported in the literature in individuals affected with LAMA4-related conditions. Variants that disrupt the consensus splice site are a relatively common cause of aberrant splicing (PMID: 17576681, 9536098). Algorithms developed to predict the effect of sequence changes on RNA splicing suggest that this variant is not likely to affect RNA splicing. In summary, the available evidence is currently insufficient to determine the role of this variant in disease. Therefore, it has been classified as a Variant of Uncertain Significance.

Literature cited by the submitters: PubMed 17576681; PubMed 9536098.

NM_001105206.3(LAMA4):c.2813+6G>C

Genes: LAMA4 (laminin subunit alpha 4; minus strand), LOC126859766 (MED14-independent group 3 enhancer GRCh37_chr6:112462018-112463217; plus strand). Cytogenetic location: 6q21.
Variant type: single nucleotide variant.
Coding change: c.2813+6G>C on transcript NM_001105206.3 (MANE Select); 6 bases into the intron after coding-DNA position 2813, G replaced by C.
Molecular consequence: intron variant.
Genome position (GRCh38, 1-based): chr6:112,141,352, C>G on the plus strand (G>C on the coding strand, the complement: LAMA4 is on the minus strand). VCF-style: chr6-112141352-C-G. GRCh37 (hg19) VCF-style: chr6-112462554-C-G.
Other names: c.2792+6G>C (NM_002290.5, NM_001105207.3).
Identifiers: ClinVar variation 3667275 (VCV003667275.2).